The following is an entry in ClinVar:

NM_001267550.2(TTN):c.32780A>G (p.Lys10927Arg)

Gene: TTN (titin; minus strand). Cytogenetic location: 2q31.2.
Variant type: single nucleotide variant.
Coding change: c.32780A>G on transcript NM_001267550.2 (MANE Select); coding-DNA position 32780, A replaced by G.
Protein change: p.Lys10927Arg; replaces lysine 10927 with arginine.
Molecular consequence: missense variant. On other transcripts: intron variant (3).
Genome position (GRCh38, 1-based): chr2:178,684,025, T>C on the plus strand (A>G on the coding strand, the complement: TTN is on the minus strand). VCF-style: chr2-178684025-T-C. GRCh37 (hg19) VCF-style: chr2-179548752-T-C.
Other names: c.31829A>G, p.Lys10610Arg (NM_001256850.1); c.29048A>G, p.Lys9683Arg (NM_133378.4); c.13283-41708A>G (NM_003319.4); c.13859-41708A>G (NM_133437.4); c.13658-41708A>G (NM_133432.3); short protein forms K10927R, K10610R, K9683R.
Identifiers: ClinVar variation 238742 (VCV000238742.8), dbSNP rs373657520, ClinGen allele CA1998532.

ClinVar aggregate classification (germline): Conflicting classifications of pathogenicity. Review status: criteria provided, conflicting classifications (1 of 4 stars). 4 submissions from 4 submitters: Uncertain significance (3); Likely benign (1). Last evaluated 2026-09-05.

Conditions:
TTN-related disorder. Also called: TTN-related condition; TTN-related disease; TTN-related disorders.
Autosomal recessive limb-girdle muscular dystrophy type 2J (LGMDR10). Also called: MUSCULAR DYSTROPHY, LIMB-GIRDLE, AUTOSOMAL RECESSIVE 10; Limb-girdle muscular dystrophy, type 2J. Identifiers: Orphanet 140922, MedGen C1837342, MONDO:0012127, OMIM 608807.
Dilated cardiomyopathy 1G (CMD1G). Identifiers: Orphanet 154, MedGen C1858763, MONDO:0011400, OMIM 604145.

Allele frequency attached by ClinVar (database versions not stated): gnomAD exomes 0.00001 and 0.00003; ExAC 0.00004; ESP Exome Variant Server 0.00017; gnomAD 0.00019.
gnomAD v4.1: 44 of 1,611,656 alleles (0.0027%); highest among the groups gnomAD compares: African/African-American, 0.057%; no homozygotes.

Submissions (4):

PreventionGenetics, part of Exact Sciences
Classification: Uncertain significance for TTN-related condition. Last evaluated: 2026-09-05. Review status: criteria provided, single submitter. Criteria: ACMG Guidelines, 2015. Collection method: clinical testing. Allele origin: germline.
Comment: The TTN c.32780A>G variant is predicted to result in the amino acid substitution p.Lys10927Arg. To our knowledge, this variant has not been reported in the literature. This variant is reported in 0.046% of alleles in individuals of African descent in gnomAD. Although we suspect that this variant may be benign, at this time, the clinical significance of this variant is uncertain due to the absence of conclusive functional and genetic evidence.

Revvity Omics, Revvity
Classification: Uncertain significance. Last evaluated: 2025-06-20. Review status: criteria provided, single submitter. Criteria: ACMG Guidelines, 2015. Collection method: clinical testing. Allele origin: germline.

Blueprint Genetics
Classification: Likely benign. Last evaluated: 2022-03-30. Review status: criteria provided, single submitter. Criteria: ACMG Guidelines, 2015. Collection method: clinical testing. Allele origin: germline.

Labcorp Genetics (formerly Invitae), Labcorp
Classification: Uncertain significance for Dilated cardiomyopathy 1G; Autosomal recessive limb-girdle muscular dystrophy type 2J. Last evaluated: 2017-06-23. Review status: criteria provided, single submitter. Criteria: Invitae Variant Classification Sherloc (09022015). Collection method: clinical testing. Allele origin: germline.